The following is an entry in ClinVar:

NM_000038.6(APC):c.4718A>G (p.Glu1573Gly)

Gene: APC (APC regulator of Wnt signaling pathway; plus strand). Cytogenetic location: 5q22.2.
Variant type: single nucleotide variant.
Coding change: c.4718A>G on transcript NM_000038.6 (MANE Select); coding-DNA position 4718, A replaced by G.
Protein change: p.Glu1573Gly; replaces glutamic acid 1573 with glycine.
Molecular consequence: missense variant. On other transcripts: non-coding transcript variant (2).
Genome position (GRCh38, 1-based): chr5:112,840,312, A>G. VCF-style: chr5-112840312-A-G. GRCh37 (hg19) VCF-style: chr5-112176009-A-G.
Other names: c.4541A>G, p.Glu1514Gly (NM_001354901.2, NM_001407453.1); c.4445A>G, p.Glu1482Gly (NM_001354902.2); c.4415A>G, p.Glu1472Gly (NM_001354903.2, NM_001407458.1, NM_001407459.1 and 1 more transcripts); c.4340A>G, p.Glu1447Gly (NM_001354904.2); c.4238A>G, p.Glu1413Gly (NM_001354905.2); c.3869A>G, p.Glu1290Gly (NM_001354906.2, NM_001407470.1); c.4802A>G, p.Glu1601Gly (NM_001407446.1); c.4772A>G, p.Glu1591Gly (NM_001407447.1, NM_001407448.1, NM_001407449.1 and 1 more transcripts); and 11 more; short protein forms E1444G, E1472G, E1482G, E1545G, E1548G, E1591G, E1413G, E1514G.
Identifiers: ClinVar variation 3670505 (VCV003670505.2).

ClinVar aggregate classification (germline): Uncertain significance (1 of 4 stars; one submission).

Conditions:
Familial adenomatous polyposis 1 (FAP1). Also called: FAMILIAL ADENOMATOUS POLYPOSIS 1, ATTENUATED; POLYPOSIS, ADENOMATOUS INTESTINAL. Identifiers: MedGen C2713442, MONDO:0021056, OMIM 175100. Disease mechanism: loss of function.

Submission:

Labcorp Genetics (formerly Invitae), Labcorp
Classification: Uncertain significance for Familial adenomatous polyposis 1. Last evaluated: 2024-02-15. Review status: criteria provided, single submitter. Criteria: Invitae Variant Classification Sherloc (09022015). Collection method: clinical testing. Allele origin: germline.
Comment: This sequence change replaces glutamic acid, which is acidic and polar, with glycine, which is neutral and non-polar, at codon 1573 of the APC protein (p.Glu1573Gly). This variant is not present in population databases (gnomAD no frequency). This variant has not been reported in the literature in individuals affected with APC-related conditions. Advanced modeling of protein sequence and biophysical properties (such as structural, functional, and spatial information, amino acid conservation, physicochemical variation, residue mobility, and thermodynamic stability) performed at Invitae indicates that this missense variant is not expected to disrupt APC protein function with a negative predictive value of 95%. In summary, the available evidence is currently insufficient to determine the role of this variant in disease. Therefore, it has been classified as a Variant of Uncertain Significance.